The following is an entry in ClinVar:

ClinVar aggregate classification (germline): Uncertain significance (1 of 4 stars; one submission).

Conditions:
Inborn genetic diseases. Identifiers: MedGen C0950123, MeSH D030342.

Submission:

Ambry Genetics
Classification: Uncertain significance for Inborn genetic diseases. Last evaluated: 2025-04-17. Review status: criteria provided, single submitter. Criteria: Ambry Variant Classification Scheme 2023. Collection method: clinical testing. Allele origin: germline.
Comment: The p.R1188T variant (also known as c.3563G>C), located in coding exon 33 of the RTEL1 gene, results from a G to C substitution at nucleotide position 3563. The arginine at codon 1188 is replaced by threonine, an amino acid with similar properties. This amino acid position is conserved. In addition, this alteration is predicted to be tolerated by in silico analysis. Based on the available evidence, the clinical significance of this variant remains unclear.

NM_001283009.2(RTEL1):c.3563G>C (p.Arg1188Thr)

Genes: RTEL1 (regulator of telomere elongation helicase 1; plus strand), RTEL1-TNFRSF6B (RTEL1-TNFRSF6B readthrough (NMD candidate); plus strand). Cytogenetic location: 20q13.33.
Variant type: single nucleotide variant.
Coding change: c.3563G>C on transcript NM_001283009.2 (MANE Select); coding-DNA position 3563, G replaced by C.
Protein change: p.Arg1188Thr; replaces arginine 1188 with threonine.
Molecular consequence: missense variant. On other transcripts: non-coding transcript variant (1).
Genome position (GRCh38, 1-based): chr20:63,695,391, G>C. VCF-style: chr20-63695391-G-C. GRCh37 (hg19) VCF-style: chr20-62326744-G-C.
Other names: c.2894G>C, p.Arg965Thr (NM_001283010.1); c.3563G>C, p.Arg1188Thr (NM_016434.4); c.3635G>C, p.Arg1212Thr (NM_032957.5); short protein forms R965T, R1188T, R1212T.
Identifiers: ClinVar variation 3948331 (VCV003948331.1).